The following is an entry in ClinVar:

NM_005573.4(LMNB1):c.164C>T (p.Thr55Met)

Gene: LMNB1 (lamin B1; plus strand). Cytogenetic location: 5q23.2.
Variant type: single nucleotide variant.
Coding change: c.164C>T on transcript NM_005573.4 (MANE Select); coding-DNA position 164, C replaced by T.
Protein change: p.Thr55Met; replaces threonine 55 with methionine.
Molecular consequence: missense variant. On other transcripts: non-coding transcript variant (2), intron variant (1).
Genome position (GRCh38, 1-based): chr5:126,777,672, C>T. VCF-style: chr5-126777672-C-T. GRCh37 (hg19) VCF-style: chr5-126113364-C-T.
Other names: c.-272+428C>T (NM_001198557.2); short protein forms T55M.
Identifiers: ClinVar variation 4822715 (VCV004822715.4).

ClinVar aggregate classification (germline): Uncertain significance (1 of 4 stars; one submission).

Submission:

CeGaT Center for Human Genetics Tuebingen
Classification: Uncertain significance. Last evaluated: 2026-01-01. Review status: criteria provided, single submitter. Criteria: CeGaT Center For Human Genetics Tuebingen Variant Classification Criteria Version 2. Collection method: clinical testing. Allele origin: germline. Affected: yes. Observed: 1 variant allele.
Comment: LMNB1: PM2, PP3